The following is an entry in ClinVar:

NM_005732.4(RAD50):c.1219G>A (p.Glu407Lys)

Gene: RAD50 (RAD50 double strand break repair protein; plus strand). Cytogenetic location: 5q31.1.
Variant type: single nucleotide variant.
Coding change: c.1219G>A on transcript NM_005732.4 (MANE Select); coding-DNA position 1219, G replaced by A.
Protein change: p.Glu407Lys; replaces glutamic acid 407 with lysine.
Molecular consequence: missense variant.
Genome position (GRCh38, 1-based): chr5:132,588,854, G>A. VCF-style: chr5-132588854-G-A. GRCh37 (hg19) VCF-style: chr5-131924546-G-A.
Other names: short protein forms E407K.
Identifiers: ClinVar variation 231614 (VCV000231614.15), dbSNP rs201544462, ClinGen allele CA10578522.

ClinVar aggregate classification (germline): Uncertain significance. Review status: criteria provided, multiple submitters, no conflicts (2 of 4 stars). 2 submissions from 2 submitters: Uncertain significance (2). Last evaluated 2025-01-10.

Conditions:
Hereditary cancer-predisposing syndrome. Also called: Neoplastic Syndromes, Hereditary; Tumor predisposition; Hereditary Cancer Syndrome; Hereditary neoplastic syndrome. Identifiers: Orphanet 140162, MedGen C0027672, MeSH D009386, MONDO:0015356.

Allele frequency attached by ClinVar (database versions not stated): gnomAD exomes below 0.00001; gnomAD 0.00001; TOPMed 0.00002.
gnomAD v4.1: 2 of 1,613,692 alleles (0.00012%); highest among the groups gnomAD compares: Non-Finnish European, 0.00017%; no homozygotes.

Submissions (2):

Ambry Genetics
Classification: Uncertain significance for Hereditary cancer-predisposing syndrome. Last evaluated: 2025-01-10. Review status: criteria provided, single submitter. Criteria: Ambry Variant Classification Scheme 2023. Collection method: clinical testing. Allele origin: germline.
Comment: The p.E407K variant (also known as c.1219G>A), located in coding exon 8 of the RAD50 gene, results from a G to A substitution at nucleotide position 1219. The glutamic acid at codon 407 is replaced by lysine, an amino acid with similar properties. This amino acid position is well conserved in available vertebrate species. In addition, this alteration is predicted to be tolerated by in silico analysis. Since supporting evidence is limited at this time, the clinical significance of this alteration remains unclear.

Labcorp Genetics (formerly Invitae), Labcorp
Classification: Uncertain significance for Hereditary cancer-predisposing syndrome. Last evaluated: 2023-09-27. Review status: criteria provided, single submitter. Criteria: Invitae Variant Classification Sherloc (09022015). Collection method: clinical testing. Allele origin: germline.
Comment: In summary, the available evidence is currently insufficient to determine the role of this variant in disease. Therefore, it has been classified as a Variant of Uncertain Significance. Advanced modeling of protein sequence and biophysical properties (such as structural, functional, and spatial information, amino acid conservation, physicochemical variation, residue mobility, and thermodynamic stability) performed at Invitae indicates that this missense variant is not expected to disrupt RAD50 protein function. ClinVar contains an entry for this variant (Variation ID: 231614). This variant has not been reported in the literature in individuals affected with RAD50-related conditions. This variant is present in population databases (rs201544462, gnomAD 0.007%). This sequence change replaces glutamic acid, which is acidic and polar, with lysine, which is basic and polar, at codon 407 of the RAD50 protein (p.Glu407Lys).